The following is an entry in ClinVar:

ClinVar aggregate classification (germline): Uncertain significance (1 of 4 stars; one submission).

Conditions:
Propionic acidemia (PROP). Also called: GLYCINEMIA, KETOTIC; HYPERGLYCINEMIA WITH KETOACIDOSIS AND LEUKOPENIA; KETOTIC HYPERGLYCINEMIA. Identifiers: Orphanet 35, MedGen C0268579, MONDO:0011628, OMIM 606054, HP:0003571.

Submission:

Labcorp Genetics (formerly Invitae), Labcorp
Classification: Uncertain significance for Propionic acidemia. Last evaluated: 2022-05-01. Review status: criteria provided, single submitter. Criteria: Invitae Variant Classification Sherloc (09022015). Collection method: clinical testing. Allele origin: germline.
Comment: In summary, the available evidence is currently insufficient to determine the role of this variant in disease. Therefore, it has been classified as a Variant of Uncertain Significance. Advanced modeling of protein sequence and biophysical properties (such as structural, functional, and spatial information, amino acid conservation, physicochemical variation, residue mobility, and thermodynamic stability) performed at Invitae indicates that this missense variant is expected to disrupt PCCA protein function. This variant has not been reported in the literature in individuals affected with PCCA-related conditions. This variant is not present in population databases (gnomAD no frequency). This sequence change replaces glutamic acid, which is acidic and polar, with lysine, which is basic and polar, at codon 461 of the PCCA protein (p.Glu461Lys).

NM_000282.4(PCCA):c.1381G>A (p.Glu461Lys)

Gene: PCCA (propionyl-CoA carboxylase subunit alpha; plus strand). Cytogenetic location: 13q32.3.
Variant type: single nucleotide variant.
Coding change: c.1381G>A on transcript NM_000282.4 (MANE Select); coding-DNA position 1381, G replaced by A.
Protein change: p.Glu461Lys; replaces glutamic acid 461 with lysine.
Molecular consequence: missense variant. On other transcripts: non-coding transcript variant (5).
Genome position (GRCh38, 1-based): chr13:100,309,860, G>A. VCF-style: chr13-100309860-G-A. GRCh37 (hg19) VCF-style: chr13-100962114-G-A.
Other names: c.1303G>A, p.Glu435Lys (NM_001127692.3, NM_001352607.2); c.1381G>A, p.Glu461Lys (NM_001178004.2, NM_001352605.2, NM_001352609.2); c.1237G>A, p.Glu413Lys (NM_001352606.2); c.1159G>A, p.Glu387Lys (NM_001352608.2); c.436G>A, p.Glu146Lys (NM_001352610.2, NM_001352611.2); c.292G>A, p.Glu98Lys (NM_001352612.2); short protein forms E146K, E387K, E435K, E98K, E413K, E461K.
Identifiers: ClinVar variation 2095456 (VCV002095456.4), dbSNP rs2548154348, ClinGen allele CA388695800.